The following is an entry in ClinVar:

NM_201384.3(PLEC):c.8511G>C (p.Glu2837Asp)

Gene: PLEC (plectin; minus strand). Cytogenetic location: 8q24.3.
Variant type: single nucleotide variant.
Coding change: c.8511G>C on transcript NM_201384.3 (MANE Select); coding-DNA position 8511, G replaced by C.
Protein change: p.Glu2837Asp; replaces glutamic acid 2837 with aspartic acid.
Molecular consequence: missense variant.
Genome position (GRCh38, 1-based): chr8:143,921,310, C>G on the plus strand (G>C on the coding strand, the complement: PLEC is on the minus strand). VCF-style: chr8-143921310-C-G. GRCh37 (hg19) VCF-style: chr8-144995478-C-G.
Other names: c.8592G>C (NM_000445.3); c.8592G>C, p.Glu2864Asp (NM_000445.5); c.8469G>C, p.Glu2823Asp (NM_201378.4); c.8445G>C, p.Glu2815Asp (NM_201379.3); c.8922G>C, p.Glu2974Asp (NM_201380.4); c.8415G>C, p.Glu2805Asp (NM_201381.3); c.8511G>C, p.Glu2837Asp (NM_201382.4); c.8523G>C, p.Glu2841Asp (NM_201383.3); short protein forms E2805D, E2815D, E2823D, E2837D, E2841D, E2864D, E2974D.
Identifiers: ClinVar variation 499220 (VCV000499220.18), dbSNP rs369984112, ClinGen allele CA4925280.

ClinVar aggregate classification (germline): Uncertain significance. Review status: criteria provided, multiple submitters, no conflicts (2 of 4 stars). 3 submissions from 3 submitters: Uncertain significance (3). Last evaluated 2025-10-07.

Conditions:
Inborn genetic diseases. Identifiers: MedGen C0950123, MeSH D030342.
Epidermolysis bullosa simplex 5B, with muscular dystrophy (EBS5B). Also called: EPIDERMOLYSIS BULLOSA SIMPLEX AND LIMB-GIRDLE MUSCULAR DYSTROPHY; Epidermolysis bullosa simplex with muscular dystrophy. Identifiers: Orphanet 257, MedGen C2931072, MONDO:0009181, OMIM 226670.
Epidermolysis bullosa simplex, Ogna type (EBS5A). Also called: Pidermolysis bullosa simplex 5A, Ogna type; EPIDERMOLYSIS BULLOSA SIMPLEX 5A, OGNA TYPE. Identifiers: Orphanet 79401, MedGen C0432317, MONDO:0007555, OMIM 131950.
Autosomal recessive limb-girdle muscular dystrophy type 2Q (LGMDR17). Also called: MUSCULAR DYSTROPHY, LIMB-GIRDLE, AUTOSOMAL RECESSIVE 17. Identifiers: Orphanet 254361, MedGen C3150989, MONDO:0013390, OMIM 613723.
Epidermolysis bullosa simplex 5C, with pyloric atresia (EBS5C). Also called: Epidermolysis bullosa simplex with pyloric atresia; PLEC1-Related Epidermolysis Bullosa with Pyloric Atresia; PLEC-Related Epidermolysis Bullosa with Pyloric Atresia. Identifiers: Orphanet 158684, MedGen C2677349, MONDO:0012807, OMIM 612138.
Epidermolysis bullosa simplex with nail dystrophy (EBS5D). Identifiers: MedGen C4225309, MONDO:0014661, OMIM 616487.

Allele frequency attached by ClinVar (database versions not stated): gnomAD 0.00006 and 0.00007; TOPMed 0.00007; ESP Exome Variant Server 0.00008; gnomAD exomes 0.00019; ExAC 0.00020.
gnomAD v4.1: 163 of 1,613,902 alleles (0.01%); highest among the groups gnomAD compares: South Asian, 0.066%; 1 homozygote.

Submissions (3):

Labcorp Genetics (formerly Invitae), Labcorp
Classification: Uncertain significance for Autosomal recessive limb-girdle muscular dystrophy type 2Q; Epidermolysis bullosa simplex, Ogna type; Epidermolysis bullosa simplex with nail dystrophy; Epidermolysis bullosa simplex 5C, with pyloric atresia; Epidermolysis bullosa simplex 5B, with muscular dystrophy. Last evaluated: 2025-10-07. Review status: criteria provided, single submitter. Criteria: Invitae Variant Classification Sherloc (09022015). Collection method: clinical testing. Allele origin: germline.
Comment: This sequence change replaces glutamic acid, which is acidic and polar, with aspartic acid, which is acidic and polar, at codon 2864 of the PLEC protein (p.Glu2864Asp). This variant is present in population databases (rs369984112, gnomAD 0.07%). This variant has not been reported in the literature in individuals affected with PLEC-related conditions. ClinVar contains an entry for this variant (Variation ID: 499220). An algorithm developed to predict the effect of missense changes on protein structure and function (PolyPhen-2) suggests that this variant is likely to be tolerated. In summary, the available evidence is currently insufficient to determine the role of this variant in disease. Therefore, it has been classified as a Variant of Uncertain Significance.

Ambry Genetics
Classification: Uncertain significance for Inborn genetic diseases. Last evaluated: 2025-09-10. Review status: criteria provided, single submitter. Criteria: Ambry Variant Classification Scheme 2023. Collection method: clinical testing. Allele origin: germline.

Eurofins Ntd Llc (ga)
Classification: Uncertain significance. Last evaluated: 2018-07-13. Review status: criteria provided, single submitter. Criteria: EGL ClinVar v180209 classification definitions. Collection method: clinical testing. Allele origin: germline. Observed: 3 variant alleles, 3 heterozygotes.